The following is an entry in ClinVar:

ClinVar aggregate classification (germline): Uncertain significance (1 of 4 stars; one submission).

Submission:

Labcorp Genetics (formerly Invitae), Labcorp
Classification: Uncertain significance. Last evaluated: 2023-02-28. Review status: criteria provided, single submitter. Criteria: Invitae Variant Classification Sherloc (09022015). Collection method: clinical testing. Allele origin: germline.
Comment: In summary, the available evidence is currently insufficient to determine the role of this variant in disease. Therefore, it has been classified as a Variant of Uncertain Significance. Advanced modeling of protein sequence and biophysical properties (such as structural, functional, and spatial information, amino acid conservation, physicochemical variation, residue mobility, and thermodynamic stability) has been performed at Invitae for this missense variant, however the output from this modeling did not meet the statistical confidence thresholds required to predict the impact of this variant on DNA2 protein function. This variant has not been reported in the literature in individuals affected with DNA2-related conditions. This variant is not present in population databases (gnomAD no frequency). This sequence change replaces tyrosine, which is neutral and polar, with serine, which is neutral and polar, at codon 1023 of the DNA2 protein (p.Tyr1023Ser).

NM_001080449.3(DNA2):c.3068A>C (p.Tyr1023Ser)

Gene: DNA2 (DNA replication helicase/nuclease 2; minus strand). Cytogenetic location: 10q21.3.
Variant type: single nucleotide variant.
Coding change: c.3068A>C on transcript NM_001080449.3 (MANE Select); coding-DNA position 3068, A replaced by C.
Protein change: p.Tyr1023Ser; replaces tyrosine 1023 with serine.
Molecular consequence: missense variant. On other transcripts: non-coding transcript variant (1).
Genome position (GRCh38, 1-based): chr10:68,416,755, T>G on the plus strand (A>C on the coding strand, the complement: DNA2 is on the minus strand). VCF-style: chr10-68416755-T-G. GRCh37 (hg19) VCF-style: chr10-70176512-T-G.
Other names: short protein forms Y1023S.
Identifiers: ClinVar variation 2836679 (VCV002836679.3), dbSNP rs563633692, ClinGen allele CA376839005.
Genomic context (GRCh38, chr10:68,416,755, plus strand): 5'-AAGAAAAAGGATATTAATTTTTCTGAGTTTAAATGATTAAGCAGCTTCTCCAAAGGAGGA[T>G]AGCAATTTAGTGAGGGCACACACCCCAGAAGAATCAGTTTATGTTTGGCTCTGGTTATAG-3'
Protein context (NP_001073918.2, residues 1013-1033): LLGCVPSLNC[Tyr1023Ser]PPLEKLLNHL